The following is an entry in ClinVar:

ClinVar aggregate classification (germline): Pathogenic (1 of 4 stars; one submission).

Conditions:
Mitochondrial complex I deficiency, nuclear type 26. Also called: Mitochondrial complex 1 deficiency, nuclear type 26. Identifiers: MedGen C4748809, MONDO:0032630, OMIM 618247.

Submission:

Women's Health and Genetics/Laboratory Corporation of America, LabCorp
Classification: Pathogenic for Mitochondrial complex I deficiency, nuclear type 26. Last evaluated: 2024-09-30. Review status: criteria provided, single submitter. Criteria: LabCorp Variant Classification Summary - May 2015. Collection method: clinical testing. Allele origin: germline.
Comment: Variant summary: NDUFA9 c.895C>T (p.Arg299X) results in a premature termination codon, predicted to cause a truncation of the encoded protein or absence of the protein due to nonsense mediated decay, which are commonly known mechanisms for disease. Consensus agreement among computation tools predict no significant impact on normal splicing. However, these predictions have yet to be confirmed by functional studies. The variant allele was found at a frequency of 8e-06 in 250586 control chromosomes. To our knowledge, no occurrence of c.895C>T in individuals affected with Mitochondrial Complex 1 Deficiency, Nuclear Type 26 and no experimental evidence demonstrating its impact on protein function have been reported. No submitters have cited clinical-significance assessments for this variant to ClinVar. Based on the evidence outlined above, the variant was classified as pathogenic.

NM_005002.5(NDUFA9):c.895C>T (p.Arg299Ter)

Gene: NDUFA9 (NADH:ubiquinone oxidoreductase subunit A9; plus strand). Cytogenetic location: 12p13.32.
Variant type: single nucleotide variant.
Coding change: c.895C>T on transcript NM_005002.5 (MANE Select); coding-DNA position 895, C replaced by T.
Protein change: p.Arg299Ter; replaces arginine 299 with a stop codon.
Molecular consequence: nonsense.
Genome position (GRCh38, 1-based): chr12:4,682,299, C>T. VCF-style: chr12-4682299-C-T. GRCh37 (hg19) VCF-style: chr12-4791465-C-T.
Other names: short protein forms R299*.
Identifiers: ClinVar variation 3375138 (VCV003375138.1).